The following is an entry in ClinVar:

ClinVar aggregate classification (germline): Uncertain significance (1 of 4 stars; one submission).

Conditions:
Exostoses, multiple, type 2 (EXT2). Also called: Hereditary Multiple Osteochondromatosis, Type II; EXOSTOSES, MULTIPLE, TYPE II. Identifiers: Orphanet 321, MedGen C1851413, MONDO:0007586, OMIM 133701.

gnomAD v4.1: 1 of 1,614,138 alleles (0.000062%); no homozygotes.

Submission:

Labcorp Genetics (formerly Invitae), Labcorp
Classification: Uncertain significance for Exostoses, multiple, type 2. Last evaluated: 2025-11-05. Review status: criteria provided, single submitter. Criteria: Invitae Variant Classification Sherloc (09022015). Collection method: clinical testing. Allele origin: germline.
Comment: This sequence change replaces aspartic acid, which is acidic and polar, with valine, which is neutral and non-polar, at codon 357 of the EXT2 protein (p.Asp357Val). This variant is not present in population databases (gnomAD no frequency). This variant has not been reported in the literature in individuals affected with EXT2-related conditions. Invitae Evidence Modeling of protein sequence and biophysical properties (such as structural, functional, and spatial information, amino acid conservation, physicochemical variation, residue mobility, and thermodynamic stability) has been performed for this missense variant. However, the output from this modeling did not meet the statistical confidence thresholds required to predict the impact of this variant on EXT2 protein function. In summary, the available evidence is currently insufficient to determine the role of this variant in disease. Therefore, it has been classified as a Variant of Uncertain Significance.

NM_207122.2(EXT2):c.1070A>T (p.Asp357Val)

Gene: EXT2 (exostosin glycosyltransferase 2; plus strand). Cytogenetic location: 11p11.2.
Variant type: single nucleotide variant.
Coding change: c.1070A>T on transcript NM_207122.2 (MANE Select); coding-DNA position 1070, A replaced by T.
Protein change: p.Asp357Val; replaces aspartic acid 357 with valine.
Molecular consequence: missense variant.
Genome position (GRCh38, 1-based): chr11:44,126,946, A>T. VCF-style: chr11-44126946-A-T. GRCh37 (hg19) VCF-style: chr11-44148496-A-T.
Other names: c.1169A>T, p.Asp390Val (NM_000401.3); c.1070A>T, p.Asp357Val (NM_001178083.3, NM_001389628.1, NM_001389630.1); short protein forms D357V, D390V.
Identifiers: ClinVar variation 4709568 (VCV004709568.1).